The following is an entry in ClinVar:

ClinVar aggregate classification (germline): Uncertain significance (1 of 4 stars; one submission).

Conditions:
Inflammatory bowel disease 28. Also called: Inflammatory bowel disease 28, early onset, autosomal recessive. Identifiers: Orphanet 238569, MedGen C2751053, MONDO:0013153, OMIM 613148.

Allele frequency attached by ClinVar (database versions not stated): gnomAD 0.00001; gnomAD exomes 0.00001; TOPMed 0.00001.
gnomAD v4.1: 13 of 1,614,106 alleles (0.00081%); highest among the groups gnomAD compares: Non-Finnish European, 0.001%; no homozygotes.

Submission:

Labcorp Genetics (formerly Invitae), Labcorp
Classification: Uncertain significance for Inflammatory bowel disease 28. Last evaluated: 2022-01-03. Review status: criteria provided, single submitter. Criteria: Invitae Variant Classification Sherloc (09022015). Collection method: clinical testing. Allele origin: germline.
Comment: In summary, the available evidence is currently insufficient to determine the role of this variant in disease. Therefore, it has been classified as a Variant of Uncertain Significance. Algorithms developed to predict the effect of missense changes on protein structure and function are either unavailable or do not agree on the potential impact of this missense change (SIFT: "Deleterious"; PolyPhen-2: "Probably Damaging"; Align-GVGD: "Class C0"). This variant has not been reported in the literature in individuals affected with IL10RA-related conditions. This variant is not present in population databases (gnomAD no frequency). This sequence change replaces arginine, which is basic and polar, with glutamine, which is neutral and polar, at codon 165 of the IL10RA protein (p.Arg165Gln).

NM_001558.4(IL10RA):c.494G>A (p.Arg165Gln)

Gene: IL10RA (interleukin 10 receptor subunit alpha; plus strand). Cytogenetic location: 11q23.3.
Variant type: single nucleotide variant.
Coding change: c.494G>A on transcript NM_001558.4 (MANE Select); coding-DNA position 494, G replaced by A.
Protein change: p.Arg165Gln; replaces arginine 165 with glutamine.
Molecular consequence: missense variant. On other transcripts: non-coding transcript variant (1).
Genome position (GRCh38, 1-based): chr11:117,993,367, G>A. VCF-style: chr11-117993367-G-A. GRCh37 (hg19) VCF-style: chr11-117864082-G-A.
Other names: short protein forms R165Q.
Identifiers: ClinVar variation 2030846 (VCV002030846.4), dbSNP rs1358894679, ClinGen allele CA382774759.